The following is an entry in ClinVar:

NM_001256071.3(RNF213):c.7302C>T (p.Ser2434=)

Gene: RNF213 (ring finger protein 213; plus strand). Cytogenetic location: 17q25.3.
Variant type: single nucleotide variant.
Coding change: c.7302C>T on transcript NM_001256071.3 (MANE Select); coding-DNA position 7302, C replaced by T.
Protein change: p.Ser2434=; no amino-acid change (serine 2434 retained).
Molecular consequence: synonymous variant.
Genome position (GRCh38, 1-based): chr17:80,345,637, C>T. VCF-style: chr17-80345637-C-T. GRCh37 (hg19) VCF-style: chr17-78319437-C-T.
Identifiers: ClinVar variation 741483 (VCV000741483.12), dbSNP rs140757899, ClinGen allele CA8820719.

ClinVar aggregate classification (germline): Benign/Likely benign. Review status: criteria provided, multiple submitters, no conflicts (2 of 4 stars). 5 submissions from 5 submitters: Benign (2); Likely benign (3). Last evaluated 2026-04-01.

Conditions:
RNF213-related disorder. Also called: RNF213-related condition.

Allele frequency attached by ClinVar (database versions not stated): gnomAD 0.00022 and 0.00036; TOPMed 0.00043; ESP Exome Variant Server 0.00046; gnomAD exomes 0.00047 and 0.00076; 1000 Genomes Project 30x 0.00062; 1000 Genomes Project 0.00080; ExAC 0.00092.
gnomAD v4.1: 752 of 1,614,146 alleles (0.047%); highest among the groups gnomAD compares: South Asian, 0.32%; 2 homozygotes.

Submissions (5):

CeGaT Center for Human Genetics Tuebingen
Classification: Likely benign. Last evaluated: 2026-04-01. Review status: criteria provided, single submitter. Criteria: CeGaT Center For Human Genetics Tuebingen Variant Classification Criteria Version 2. Collection method: clinical testing. Allele origin: germline. Affected: yes. Observed: 1 variant allele.
Comment: RNF213: BP4, BP7

Labcorp Genetics (formerly Invitae), Labcorp
Classification: Benign. Last evaluated: 2025-10-02. Review status: criteria provided, single submitter. Criteria: Invitae Variant Classification Sherloc (09022015). Collection method: clinical testing. Allele origin: germline.

PreventionGenetics, part of Exact Sciences
Classification: Likely benign for RNF213-related condition. Last evaluated: 2025-07-31. Review status: criteria provided, single submitter. Criteria: ACMG Guidelines, 2015. Collection method: clinical testing. Allele origin: germline.
Comment: This variant is classified as likely benign based on ACMG/AMP sequence variant interpretation guidelines (Richards et al. 2015 PMID: 25741868, with internal and published modifications).

Blueprint Genetics
Classification: Likely benign. Last evaluated: 2024-11-11. Review status: criteria provided, single submitter. Criteria: ACMG Guidelines, 2015. Collection method: clinical testing. Allele origin: germline.

Breakthrough Genomics
Classification: Benign. Review status: criteria provided, single submitter. Criteria: ACMG Guidelines, 2015. Collection method: not provided. Allele origin: germline. Inheritance: Autosomal dominant inheritance. Affected: yes.